The following is an entry in ClinVar:

ClinVar aggregate classification (germline): Uncertain significance. Review status: criteria provided, multiple submitters, no conflicts (2 of 4 stars). 3 submissions from 3 submitters: Uncertain significance (3). Last evaluated 2025-03-22.

Conditions:
Hereditary cancer-predisposing syndrome. Also called: Hereditary Cancer Syndrome; Neoplastic Syndromes, Hereditary; Hereditary neoplastic syndrome; Tumor predisposition. Identifiers: Orphanet 140162, MedGen C0027672, MeSH D009386, MONDO:0015356.
Cardiovascular phenotype. Identifiers: MedGen CN230736.
Neurofibromatosis, type 1 (NF1). Also called: Peripheral type neurofibromatosis; Neurofibromatosis, type I; NEUROFIBROMATOSIS, TYPE I, SOMATIC; VON RECKLINGHAUSEN DISEASE. Identifiers: Orphanet 636, MedGen C0027831, MONDO:0018975, OMIM 162200. Disease mechanism: loss of function.

Submissions (3):

Labcorp Genetics (formerly Invitae), Labcorp
Classification: Uncertain significance for Neurofibromatosis, type 1. Last evaluated: 2025-03-22. Review status: criteria provided, single submitter. Criteria: Invitae Variant Classification Sherloc (09022015). Collection method: clinical testing. Allele origin: germline.
Comment: This sequence change replaces valine, which is neutral and non-polar, with alanine, which is neutral and non-polar, at codon 346 of the NF1 protein (p.Val346Ala). This variant is not present in population databases (gnomAD no frequency). This variant has not been reported in the literature in individuals affected with NF1-related conditions. ClinVar contains an entry for this variant (Variation ID: 822061). Invitae Evidence Modeling of protein sequence and biophysical properties (such as structural, functional, and spatial information, amino acid conservation, physicochemical variation, residue mobility, and thermodynamic stability) has been performed for this missense variant. However, the output from this modeling did not meet the statistical confidence thresholds required to predict the impact of this variant on NF1 protein function. In summary, the available evidence is currently insufficient to determine the role of this variant in disease. Therefore, it has been classified as a Variant of Uncertain Significance.

Ambry Genetics
Classification: Uncertain significance for Cardiovascular phenotype; Hereditary cancer-predisposing syndrome. Last evaluated: 2025-01-08. Review status: criteria provided, single submitter. Criteria: Ambry Variant Classification Scheme 2023. Collection method: clinical testing. Allele origin: germline.
Comment: The p.V346A variant (also known as c.1037T>C), located in coding exon 9 of the NF1 gene, results from a T to C substitution at nucleotide position 1037. The valine at codon 346 is replaced by alanine, an amino acid with similar properties. This amino acid position is highly conserved in available vertebrate species. In addition, the in silico prediction for this alteration is inconclusive. Based on the available evidence, the clinical significance of this variant remains unclear.

Genome-Nilou Lab
Classification: Uncertain significance for Neurofibromatosis, type 1. Last evaluated: 2022-03-15. Review status: criteria provided, single submitter. Criteria: ACMG Guidelines, 2015. Collection method: clinical testing. Allele origin: germline. Affected: no.

NM_001042492.3(NF1):c.1037T>C (p.Val346Ala)

Gene: NF1 (neurofibromin 1; plus strand). Cytogenetic location: 17q11.2.
Variant type: single nucleotide variant.
Coding change: c.1037T>C on transcript NM_001042492.3 (MANE Select); coding-DNA position 1037, T replaced by C.
Protein change: p.Val346Ala; replaces valine 346 with alanine.
Molecular consequence: missense variant.
Genome position (GRCh38, 1-based): chr17:31,200,570, T>C. VCF-style: chr17-31200570-T-C. GRCh37 (hg19) VCF-style: chr17-29527588-T-C.
Other names: c.1037T>C, p.Val346Ala (NM_000267.4, NM_001128147.3); short protein forms V346A.
Identifiers: ClinVar variation 822061 (VCV000822061.11), dbSNP rs1597681117, ClinGen allele CA398996427.